The following is an entry in ClinVar:

NM_025074.7(FRAS1):c.8486C>A (p.Ser2829Tyr)

Genes: FRAS1 (Fraser extracellular matrix complex subunit 1; plus strand), LOC126807088 (CDK7 strongly-dependent group 2 enhancer GRCh37_chr4:79402250-79403449; plus strand). Cytogenetic location: 4q21.21.
Variant type: single nucleotide variant.
Coding change: c.8486C>A on transcript NM_025074.7 (MANE Select); coding-DNA position 8486, C replaced by A.
Protein change: p.Ser2829Tyr; replaces serine 2829 with tyrosine.
Molecular consequence: missense variant.
Genome position (GRCh38, 1-based): chr4:78,481,846, C>A. VCF-style: chr4-78481846-C-A. GRCh37 (hg19) VCF-style: chr4-79403000-C-A.
Other names: short protein forms S2829Y.
Identifiers: ClinVar variation 349768 (VCV000349768.14), dbSNP rs376788346, ClinGen allele CA2978389.

ClinVar aggregate classification (germline): Benign/Likely benign. Review status: criteria provided, multiple submitters, no conflicts (2 of 4 stars). 3 submissions from 3 submitters: Benign (1); Likely benign (1). 1 of the submissions does not count toward it. Last evaluated 2026-01-28.

Conditions:
FRAS1-related disorder. Also called: FRAS1-related condition.
Fraser syndrome 1 (FRASRS1). Also called: CRYPTOPHTHALMOS WITH OTHER MALFORMATIONS. Identifiers: Orphanet 2052, MedGen C4551480, MONDO:0054737, OMIM 219000.

Allele frequency attached by ClinVar (database versions not stated): gnomAD 0.00001 and 0.00016; TOPMed 0.00004; ESP Exome Variant Server 0.00017; ExAC 0.00076; 1000 Genomes Project 0.00100; 1000 Genomes Project 30x 0.00109.
gnomAD v4.1: 446 of 1,613,954 alleles (0.028%); highest among the groups gnomAD compares: South Asian, 0.46%; 7 homozygotes.

Submissions (3):

Labcorp Genetics (formerly Invitae), Labcorp
Classification: Benign. Last evaluated: 2026-01-28. Review status: criteria provided, single submitter. Criteria: Invitae Variant Classification Sherloc (09022015). Collection method: clinical testing. Allele origin: germline.

Illumina Laboratory Services, Illumina
Classification: Likely benign for Fraser syndrome 1. Last evaluated: 2018-01-13. Review status: criteria provided, single submitter. Criteria: ICSL Variant Classification Criteria 13 December 2019. Collection method: clinical testing. Allele origin: germline.
Comment: This variant was observed in the ICSL laboratory as part of a predisposition screen in an ostensibly healthy population. It had not been previously curated by ICSL or reported in the Human Gene Mutation Database (HGMD: prior to June 1st, 2018), and was therefore a candidate for classification through an automated scoring system. Utilizing variant allele frequency, disease prevalence and penetrance estimates, and inheritance mode, an automated score was calculated to assess if this variant is too frequent to cause the disease. Based on the score and internal cut-off values, a variant classified as likely benign is not then subjected to further curation. The score for this variant resulted in a classification of likely benign for this disease.

PreventionGenetics, part of Exact Sciences
Classification: Likely benign for FRAS1-related condition. Last evaluated: 2020-03-16. Review status: no assertion criteria provided. Collection method: clinical testing. Allele origin: germline. Not counted in ClinVar's aggregate classification.
Comment: This variant is classified as likely benign based on ACMG/AMP sequence variant interpretation guidelines (Richards et al. 2015 PMID: 25741868, with internal and published modifications).